The following is an entry in ClinVar:

NM_001124758.3(SPNS2):c.566C>T (p.Pro189Leu)

Gene: SPNS2 (SPNS lysolipid transporter 2, sphingosine-1-phosphate; plus strand). Cytogenetic location: 17p13.2.
Variant type: single nucleotide variant.
Coding change: c.566C>T on transcript NM_001124758.3 (MANE Select); coding-DNA position 566, C replaced by T.
Protein change: p.Pro189Leu; replaces proline 189 with leucine.
Molecular consequence: missense variant.
Genome position (GRCh38, 1-based): chr17:4,525,186, C>T. VCF-style: chr17-4525186-C-T. GRCh37 (hg19) VCF-style: chr17-4428481-C-T.
Other names: short protein forms P189L.
Identifiers: ClinVar variation 4991578 (VCV004991578.1).

ClinVar aggregate classification (germline): Uncertain significance (1 of 4 stars; one submission).

Conditions:
SPNS2-related disorder. Also called: SPNS2-related condition.

Submission:

PreventionGenetics, part of Exact Sciences
Classification: Uncertain significance for SPNS2-related condition. Last evaluated: 2025-12-26. Review status: criteria provided, single submitter. Criteria: ACMG Guidelines, 2015. Collection method: clinical testing. Allele origin: germline.
Comment: The SPNS2 c.566C>T variant is predicted to result in the amino acid substitution p.Pro189Leu. To our knowledge, this variant has not been reported in the literature or in a large population database (gnomAD), indicating this variant is rare. At this time, the clinical significance of this variant is uncertain due to the absence of conclusive functional and genetic evidence.